The following is an entry in ClinVar:

NC_000015.10:g.(?_43600750)_(43603601_?)del

Gene: STRC (stereocilin; minus strand). Cytogenetic location: 15q15.3.
Variant type: Deletion.
Identifiers: ClinVar variation 180122 (VCV000180122.5).

ClinVar aggregate classification (germline): Pathogenic (1 of 4 stars; one submission).

Conditions:
Rare genetic deafness. Identifiers: Orphanet 96210, MedGen C5680250.

Submission:

Laboratory for Molecular Medicine, Mass General Brigham Personalized Medicine
Classification: Pathogenic for Rare genetic deafness. Last evaluated: 2014-11-28. Review status: criteria provided, single submitter. Criteria: LMM Criteria. Collection method: clinical testing. Allele origin: germline. Inheritance: Autosomal recessive inheritance. Observed: 2 variant alleles.
Comment: The chr15:g.(?_43892948)_(43895799_?) deletion was identified by ddPCR probes ta rgeting intron 23 and intron 25 of STRC and, at a minimum, encompasses these reg ions, including exons 24-25, in the STRC gene. Exact breakpoints of the detected deletion could not be determined due to limitations of the testing methodology. Therefore this assay cannot determine if this variant represents a larger delet ion encompassing the entire STRC gene region and whether neighboring genes are a lso impacted. An exon 24-25 deletion in STRC has not been previously reported; h owever, multi-exon deletions in STRC, which overlap with exons 24-25, have been reported in several individuals with hearing loss (Francey 2011). In summary, th is deletion affecting the STRC gene meets our criteria to be classified as patho genic for hearing loss in an autosomal recessive manner.

Literature cited by the submitters: PubMed 22147502.